The following is an entry in ClinVar:

ClinVar aggregate classification (germline): Uncertain significance (1 of 4 stars; one submission).

Conditions:
ENHANCED S-CONE SYNDROME 1 (ESCS1). Also called: RETINOSCHISIS WITH EARLY HEMERALOPIA; FAVRE HYALOIDEORETINAL DEGENERATION. Identifiers: MedGen CN380299, OMIM 268100.

Submission:

Myriad Genetics, Inc.
Classification: Uncertain significance for ENHANCED S-CONE SYNDROME 1. Last evaluated: 2026-08-03. Review status: criteria provided, single submitter. Criteria: Myriad Autosomal Dominant, Autosomal Recessive and X-Linked Classification Criteria (2023). Collection method: clinical testing. Allele origin: unknown.
Comment: NM_014249.2(NR2E3):c.*4G>A is a 3' non-coding variant classified as a variant of uncertain significance in the context of enhanced S-cone syndrome. c.*4G>A has not been observed in cases with relevant disease. Relevant functional assessments of this variant are not available in the literature. c.*4G>A has not been observed in referenced population frequency databases. In summary, there is insufficient evidence to classify NM_014249.2(NR2E3):c.*4G>A as pathogenic or benign. Please note: this variant was assessed in the context of healthy population screening.

NM_014249.4(NR2E3):c.*4G>A

Gene: NR2E3 (nuclear receptor subfamily 2 group E member 3; plus strand). Cytogenetic location: 15q23.
Variant type: single nucleotide variant.
Coding change: c.*4G>A on transcript NM_014249.4 (MANE Select); 4 bases downstream of the stop codon, G replaced by A.
Molecular consequence: 3 prime UTR variant.
Genome position (GRCh38, 1-based): chr15:71,817,688, G>A. VCF-style: chr15-71817688-G-A. GRCh37 (hg19) VCF-style: chr15-72110029-G-A.
Identifiers: ClinVar variation 5004832 (VCV005004832.1).
Genomic context (GRCh38, chr15:71,817,688, plus strand): 5'-AAGACCATAGGGAATACTCCAATGGAGAAGCTCCTTTGTGATATGTTCAAAAACTAGTGG[G>A]GGTGGAGGTGAAATGTTTCCAAGCACTCTGGAAAACAATCTACTGAAACGAAACATTTGC-3'